The following is an entry in ClinVar:

ClinVar aggregate classification (germline): Pathogenic/Likely pathogenic. Review status: criteria provided, multiple submitters, no conflicts (2 of 4 stars). 2 submissions from 2 submitters: Pathogenic (1); Likely pathogenic (1). Last evaluated 2022-07-12.

Submissions (2):

Labcorp Genetics (formerly Invitae), Labcorp
Classification: Pathogenic. Last evaluated: 2022-07-12. Review status: criteria provided, single submitter. Criteria: Invitae Variant Classification Sherloc (09022015). Collection method: clinical testing. Allele origin: germline.
Comment: For these reasons, this variant has been classified as Pathogenic. This variant has not been reported in the literature in individuals affected with ACO2-related conditions. This variant is not present in population databases (gnomAD no frequency). This sequence change creates a premature translational stop signal (p.Leu381Serfs*4) in the ACO2 gene. It is expected to result in an absent or disrupted protein product. Loss-of-function variants in ACO2 are known to be pathogenic (PMID: 30689204, 32519519).

ARUP Laboratories, Molecular Genetics and Genomics, ARUP Laboratories
Classification: Likely pathogenic. Review status: criteria provided, single submitter. Criteria: ARUP Molecular Germline Variant Investigation Process 2024. Collection method: clinical testing. Allele origin: germline.
Comment: The ACO2 c.1136dup; p.Leu381SerfsTer4 variant, to our knowledge, is not reported in the medical literature, but is reported in ClinVar (Variation ID: 1960221). This variant is absent from the Genome Aggregation Database (v2.1.1), indicating it is not a common polymorphism. This variant causes a frameshift and is predicted to result in a truncated protein or mRNA subject to nonsense-mediated decay. Based on available information, this variant is considered to be likely pathogenic.

Literature cited by the submitters: PubMed 30689204 (cited by Labcorp Genetics (formerly Invitae), Labcorp); PubMed 32519519 (cited by Labcorp Genetics (formerly Invitae), Labcorp).

NM_001098.3(ACO2):c.1136dup (p.Leu381fs)

Gene: ACO2 (aconitase 2; plus strand). Cytogenetic location: 22q13.2.
Variant type: Duplication.
Coding change: c.1136dup on transcript NM_001098.3 (MANE Select); coding-DNA position 1136, one base duplicated (T; older notation c.1136dupT).
Protein change: p.Leu381fs; shifts the reading frame from leucine 381.
Molecular consequence: frameshift variant.
Genome position (GRCh38, 1-based): chr22:41,520,274, T duplicated. VCF-style (leftmost placement, unchanged base first): chr22-41520273-G-GT. GRCh37 (hg19) VCF-style: chr22-41916277-G-GT.
Other names: short protein forms L381fs.
Identifiers: ClinVar variation 1960221 (VCV001960221.6), dbSNP rs2518227349, ClinGen allele CA2580099867.